The following is an entry in ClinVar:

NM_080425.4(GNAS):c.1255G>A (p.Asp419Asn)

Gene: GNAS (GNAS complex locus; plus strand). Cytogenetic location: 20q13.32.
Variant type: single nucleotide variant.
Coding change: c.1255G>A on transcript NM_080425.4 (MANE Plus Clinical); coding-DNA position 1255, G replaced by A.
Protein change: p.Asp419Asn; replaces aspartic acid 419 with asparagine.
Molecular consequence: missense variant. On other transcripts: synonymous variant (2), intron variant (3).
Genome position (GRCh38, 1-based): chr20:58,854,520, G>A. VCF-style: chr20-58854520-G-A. GRCh37 (hg19) VCF-style: chr20-57429575-G-A.
Other names: c.1068G>A, p.Pro356= (NM_001077490.3, NM_001309883.1); c.1255G>A, p.Asp419Asn (NM_001410913.1); c.*42+13634G>A (NM_016592.5); c.43+13634G>A (NM_001410912.1); c.-39+12645G>A (NM_001309861.2); short protein forms D419N.
Identifiers: ClinVar variation 3352985 (VCV003352985.1).

ClinVar aggregate classification (germline): Uncertain significance (0 of 4 stars; one submission).

Conditions:
GNAS-related disorder. Identifiers: MedGen CN380105.

gnomAD v4.1: 17 of 1,584,148 alleles (0.0011%); highest among the groups gnomAD compares: Admixed American, 0.0017%; no homozygotes.

Submission:

PreventionGenetics, part of Exact Sciences
Classification: Uncertain significance for GNAS-related condition. Last evaluated: 2024-05-31. Review status: no assertion criteria provided. Collection method: clinical testing. Allele origin: germline.
Comment: The GNAS c.1255G>A variant is predicted to result in the amino acid substitution p.Asp419Asn. Of note this variant is also referred to as c.-37207G>A (Pre-Coding) in the more commonly reported transcript, NM_000516. To our knowledge, this variant has not been reported in the literature in individuals with GNAS-related disorders or in a large population database, indicating this variant is rare. At this time, the clinical significance of this variant is uncertain due to the absence of conclusive functional and genetic evidence.